The following is an entry in ClinVar:

NM_001613.4(ACTA2):c.130-10A>G

Gene: ACTA2 (actin alpha 2, smooth muscle; minus strand). Cytogenetic location: 10q23.31.
Variant type: single nucleotide variant.
Coding change: c.130-10A>G on transcript NM_001613.4 (MANE Select); 10 bases into the intron before coding-DNA position 130, A replaced by G.
Molecular consequence: intron variant.
Genome position (GRCh38, 1-based): chr10:88,947,396, T>C on the plus strand (A>G on the coding strand, the complement: ACTA2 is on the minus strand). VCF-style: chr10-88947396-T-C. GRCh37 (hg19) VCF-style: chr10-90707153-T-C.
Other names: c.129+1406A>G (NM_001406467.1, NM_001406468.1, NM_001406469.1); c.130-10A>G (NM_001320855.2, NM_001406462.1, NM_001406471.1 and 4 more transcripts).
Identifiers: ClinVar variation 3675983 (VCV003675983.3).

ClinVar aggregate classification (germline): Uncertain significance. Review status: criteria provided, multiple submitters, no conflicts (2 of 4 stars). 2 submissions from 2 submitters: Uncertain significance (2). Last evaluated 2025-08-25.

Conditions:
Familial thoracic aortic aneurysm and aortic dissection (TAAD). Also called: Thoracic aortic aneurysms and dissections. Identifiers: Orphanet 91387, MedGen C4707243, MONDO:0019625.
Aortic aneurysm, familial thoracic 6 (AAT6). Also called: FAMILIAL THORACIC AORTIC ANEURYSM WITH LIVEDO RETICULARIS AND IRIS FLOCCULI. Identifiers: MedGen C2673186, MONDO:0012730, OMIM 611788.

Submissions (2):

Color Diagnostics, LLC DBA Color Health
Classification: Uncertain significance for Familial thoracic aortic aneurysm and aortic dissection. Last evaluated: 2025-08-25. Review status: criteria provided, single submitter. Criteria: ACMG Guidelines, 2015. Collection method: clinical testing. Allele origin: germline.
Comment: This variant causes an A to G nucleotide substitution at the -10 position of intron 2 of the ACTA2 gene. To our knowledge, functional studies have not been reported for this variant. This variant has not been reported in individuals affected with ACTA2-related disorders in the literature. This variant has not been identified in the general population by the Genome Aggregation Database (gnomAD). The available evidence is insufficient to determine the role of this variant in disease conclusively. Therefore, this variant is classified as a Variant of Uncertain Significance.

Labcorp Genetics (formerly Invitae), Labcorp
Classification: Uncertain significance for Aortic aneurysm, familial thoracic 6. Last evaluated: 2024-01-30. Review status: criteria provided, single submitter. Criteria: Invitae Variant Classification Sherloc (09022015). Collection method: clinical testing. Allele origin: germline.
Comment: This sequence change falls in intron 2 of the ACTA2 gene. It does not directly change the encoded amino acid sequence of the ACTA2 protein. This variant is not present in population databases (gnomAD no frequency). This variant has not been reported in the literature in individuals affected with ACTA2-related conditions. Algorithms developed to predict the effect of sequence changes on RNA splicing suggest that this variant may disrupt the consensus splice site. In summary, the available evidence is currently insufficient to determine the role of this variant in disease. Therefore, it has been classified as a Variant of Uncertain Significance.